The following is an entry in ClinVar:

ClinVar aggregate classification (germline): Benign/Likely benign. Review status: criteria provided, multiple submitters, no conflicts (2 of 4 stars). 6 submissions from 6 submitters: Benign (4); Likely benign (1). 1 of the submissions does not count toward it. Last evaluated 2026-02-01.

Conditions:
DNAH9-related disorder. Also called: DNAH9-related condition.

Allele frequency attached by ClinVar (database versions not stated): gnomAD exomes 0.00503 and 0.01332; ExAC 0.01642; gnomAD 0.05016 and 0.05387; 1000 Genomes Project 0.05391; TOPMed 0.05593; ESP Exome Variant Server 0.05682; 1000 Genomes Project 30x 0.05965.
gnomAD v4.1: 15,381 of 1,614,094 alleles (0.95%); highest among the groups gnomAD compares: African/African-American, 18%; 1,211 homozygotes.

Submissions (6):

Labcorp Genetics (formerly Invitae), Labcorp
Classification: Benign. Last evaluated: 2026-02-01. Review status: criteria provided, single submitter. Criteria: Invitae Variant Classification Sherloc (09022015). Collection method: clinical testing. Allele origin: germline.

Blueprint Genetics
Classification: Likely benign. Last evaluated: 2024-11-27. Review status: criteria provided, single submitter. Criteria: ACMG Guidelines, 2015. Collection method: clinical testing. Allele origin: germline.

Mayo Clinic Laboratories, Mayo Clinic
Classification: Benign. Last evaluated: 2024-01-14. Review status: criteria provided, single submitter. Criteria: ACMG Guidelines, 2015. Collection method: clinical testing. Allele origin: germline. Observed: 4 variant alleles.

GeneDx
Classification: Benign. Last evaluated: 2021-05-04. Review status: criteria provided, single submitter. Criteria: GeneDx Variant Classification Process June 2021. Collection method: clinical testing. Allele origin: germline. Affected: yes.

Breakthrough Genomics
Classification: Benign. Review status: criteria provided, single submitter. Criteria: ACMG Guidelines, 2015. Collection method: not provided. Allele origin: germline. Inheritance: Autosomal recessive inheritance. Affected: yes.

PreventionGenetics, part of Exact Sciences
Classification: Benign for DNAH9-related condition. Last evaluated: 2019-09-30. Review status: no assertion criteria provided. Collection method: clinical testing. Allele origin: germline. Not counted in ClinVar's aggregate classification.
Comment: This variant is classified as benign based on ACMG/AMP sequence variant interpretation guidelines (Richards et al. 2015 PMID: 25741868, with internal and published modifications).

NM_001372.4(DNAH9):c.8882A>G (p.Lys2961Arg)

Gene: DNAH9 (dynein axonemal heavy chain 9; plus strand). Cytogenetic location: 17p12.
Variant type: single nucleotide variant.
Coding change: c.8882A>G on transcript NM_001372.4 (MANE Select); coding-DNA position 8882, A replaced by G.
Protein change: p.Lys2961Arg; replaces lysine 2961 with arginine.
Molecular consequence: missense variant.
Genome position (GRCh38, 1-based): chr17:11,822,469, A>G. VCF-style: chr17-11822469-A-G. GRCh37 (hg19) VCF-style: chr17-11725786-A-G.
Other names: p.Lys2961Arg; short protein forms K2961R.
Identifiers: ClinVar variation 1234002 (VCV001234002.16), dbSNP rs11870983, ClinGen allele CA8397077.